The following is an entry in ClinVar:

NM_152618.3(BBS12):c.1460G>A (p.Arg487Lys)

Gene: BBS12 (Bardet-Biedl syndrome 12; plus strand). Cytogenetic location: 4q27.
Variant type: single nucleotide variant.
Coding change: c.1460G>A on transcript NM_152618.3 (MANE Select); coding-DNA position 1460, G replaced by A.
Protein change: p.Arg487Lys; replaces arginine 487 with lysine.
Molecular consequence: missense variant.
Genome position (GRCh38, 1-based): chr4:122,743,352, G>A. VCF-style: chr4-122743352-G-A. GRCh37 (hg19) VCF-style: chr4-123664507-G-A.
Other names: c.1460G>A, p.Arg487Lys (NM_001178007.2); short protein forms R487K.
Identifiers: ClinVar variation 851247 (VCV000851247.16), dbSNP rs376531209, ClinGen allele CA3069453.

ClinVar aggregate classification (germline): Conflicting classifications of pathogenicity. Review status: criteria provided, conflicting classifications (1 of 4 stars). 7 submissions from 7 submitters: Uncertain significance (4); Likely benign (1). 2 of the submissions do not count toward it. Last evaluated 2025-06-12.

Conditions:
BBS12-related disorder. Also called: BBS12-related condition.
Inborn genetic diseases. Identifiers: MedGen C0950123, MeSH D030342.
Bardet-Biedl syndrome (BBS). Identifiers: Orphanet 110, MedGen C0752166, MONDO:0015229.
Bardet-Biedl syndrome 12 (BBS12). Identifiers: Orphanet 110, MedGen C1859570, MONDO:0014440, OMIM 615989.

Allele frequency attached by ClinVar (database versions not stated): gnomAD exomes 0.00001 and 0.00006; ExAC 0.00006; TOPMed 0.00006; gnomAD 0.00009; ESP Exome Variant Server 0.00015; 1000 Genomes Project 30x 0.00016; 1000 Genomes Project 0.00020.

Submissions (7):

Labcorp Genetics (formerly Invitae), Labcorp
Classification: Uncertain significance for Bardet-Biedl syndrome. Last evaluated: 2025-06-12. Review status: criteria provided, single submitter. Criteria: Invitae Variant Classification Sherloc (09022015). Collection method: clinical testing. Allele origin: germline.
Comment: This sequence change replaces arginine, which is basic and polar, with lysine, which is basic and polar, at codon 487 of the BBS12 protein (p.Arg487Lys). This variant is present in population databases (rs376531209, gnomAD 0.03%). This variant has not been reported in the literature in individuals affected with BBS12-related conditions. ClinVar contains an entry for this variant (Variation ID: 851247). Invitae Evidence Modeling of protein sequence and biophysical properties (such as structural, functional, and spatial information, amino acid conservation, physicochemical variation, residue mobility, and thermodynamic stability) indicates that this missense variant is not expected to disrupt BBS12 protein function with a negative predictive value of 80%. In summary, the available evidence is currently insufficient to determine the role of this variant in disease. Therefore, it has been classified as a Variant of Uncertain Significance.

Fulgent Genetics
Classification: Uncertain significance for Bardet-Biedl syndrome 12. Last evaluated: 2024-06-12. Review status: criteria provided, single submitter. Criteria: ACMG Guidelines, 2015. Collection method: clinical testing. Allele origin: germline.

Ambry Genetics
Classification: Uncertain significance for Inborn genetic diseases. Last evaluated: 2022-07-14. Review status: criteria provided, single submitter. Criteria: Ambry Variant Classification Scheme 2023. Collection method: clinical testing. Allele origin: germline.

Blueprint Genetics
Classification: Likely benign. Last evaluated: 2021-07-06. Review status: criteria provided, single submitter. Criteria: ACMG Guidelines, 2015. Collection method: clinical testing. Allele origin: germline.

Baylor Genetics
Classification: Uncertain significance for Bardet-Biedl syndrome 12. Last evaluated: 2018-04-11. Review status: criteria provided, single submitter. Criteria: ACMG Guidelines, 2015. Collection method: clinical testing. Allele origin: unknown. Affected: yes.
Comment: This variant was determined to be of uncertain significance according to ACMG Guidelines, 2015 [PMID:25741868].

PreventionGenetics, part of Exact Sciences
Classification: Uncertain significance for BBS12-related condition. Last evaluated: 2023-12-29. Review status: no assertion criteria provided. Collection method: clinical testing. Allele origin: germline. Not counted in ClinVar's aggregate classification.
Comment: The BBS12 c.1460G>A variant is predicted to result in the amino acid substitution p.Arg487Lys. To our knowledge, this variant has not been reported in the literature. This variant is reported in 0.035% of alleles in individuals of Latino descent in gnomAD. At this time, the clinical significance of this variant is uncertain due to the absence of conclusive functional and genetic evidence.

Natera, Inc.
Classification: Uncertain significance for Bardet-Biedl syndrome type 12. Last evaluated: 2020-08-10. Review status: no assertion criteria provided. Collection method: clinical testing. Allele origin: germline. Not counted in ClinVar's aggregate classification.